The following is an entry in ClinVar:

NM_177438.3(DICER1):c.5145C>T (p.Leu1715=)

Gene: DICER1 (dicer 1, ribonuclease III; minus strand). Cytogenetic location: 14q32.13.
Variant type: single nucleotide variant.
Coding change: c.5145C>T on transcript NM_177438.3 (MANE Select); coding-DNA position 5145, C replaced by T.
Protein change: p.Leu1715=; no amino-acid change (leucine 1715 retained).
Molecular consequence: synonymous variant.
Genome position (GRCh38, 1-based): chr14:95,094,107, G>A on the plus strand (C>T on the coding strand, the complement: DICER1 is on the minus strand). VCF-style: chr14-95094107-G-A. GRCh37 (hg19) VCF-style: chr14-95560444-G-A.
Other names: p.Leu1715=; c.5145C>T, p.Leu1715= (NM_001195573.1, NM_001271282.3, NM_001291628.2 and 1 more transcripts).
Identifiers: ClinVar variation 221050 (VCV000221050.70), dbSNP rs139500905, ClinGen allele CA348563.
Genomic context (GRCh38, chr14:95,094,107, plus strand): 5'-CAGGTCTGTCAGGACCCCCGGGGAGTGCTGCCGCGGGTCTTCATAAAGGTGCTTGGTTAT[G>A]AGGTAGTCCAAAATCGCATCTCCCAGGAATTCTAAGCGCTGGTAACAATCTGAGGGGATC-3'
Protein context (NP_803187.1, residues 1705-1725): EFLGDAILDY[Leu1715=]ITKHLYEDPR

ClinVar aggregate classification (germline): Benign/Likely benign. Review status: criteria provided, multiple submitters, no conflicts (2 of 4 stars). 20 submissions from 20 submitters: Benign (5); Likely benign (10). 5 of the submissions do not count toward it. Last evaluated 2026-06-01.

Conditions:
DICER1-related tumor predisposition. Also called: DICER1 syndrome; DICER1-related pleuropulmonary blastoma cancer predisposition syndrome. Identifiers: Orphanet 284343, MedGen C3839822, MONDO:0100216.
Hereditary cancer-predisposing syndrome. Also called: Neoplastic Syndromes, Hereditary; Hereditary Cancer Syndrome; Tumor predisposition; Hereditary neoplastic syndrome. Identifiers: Orphanet 140162, MedGen C0027672, MeSH D009386, MONDO:0015356.
Euthyroid goiter (MNG1). Also called: Goiter, multinodular 1, with or without Sertoli-Leydig cell tumors; MULTINODULAR GOITER, ADOLESCENT; SIMPLE GOITER; GOITER, NONTOXIC, WITH INTRATHYROIDAL CALCIFICATION. Identifiers: Orphanet 276399, MedGen C0302859, MONDO:0007681, OMIM 138800, HP:0009798.
Pleuropulmonary blastoma (PPB). Identifiers: Orphanet 64742, MedGen C1266144, MONDO:0011014, OMIM 601200, HP:0100528.

Allele frequency attached by ClinVar (database versions not stated): ExAC 0.00147; ESP Exome Variant Server 0.00154; gnomAD exomes 0.00173 and 0.00137; 1000 Genomes Project 30x 0.00094; 1000 Genomes Project 0.00100; gnomAD 0.00121; TOPMed 0.00121.
gnomAD v4.1: 2,700 of 1,614,130 alleles (0.17%); highest among the groups gnomAD compares: Non-Finnish European, 0.21%; 3 homozygotes.

Submissions (20):

CeGaT Center for Human Genetics Tuebingen
Classification: Likely benign. Last evaluated: 2026-06-01. Review status: criteria provided, single submitter. Criteria: CeGaT Center For Human Genetics Tuebingen Variant Classification Criteria Version 2. Collection method: clinical testing. Allele origin: germline. Affected: yes. Observed: 14 variant alleles.
Comment: DICER1: BP4, BS1

Myriad Genetics, Inc.
Classification: Benign for DICER1-related tumor predisposition. Last evaluated: 2026-04-20. Review status: criteria provided, single submitter. Criteria: Myriad Autosomal Dominant, Autosomal Recessive and X-Linked Classification Criteria (2023). Collection method: clinical testing. Allele origin: unknown.
Comment: This variant is considered benign. This variant is a silent/synonymous amino acid change and it is not expected to impact splicing.

Labcorp Genetics (formerly Invitae), Labcorp
Classification: Benign for DICER1-related tumor predisposition. Last evaluated: 2026-02-03. Review status: criteria provided, single submitter. Criteria: Invitae Variant Classification Sherloc (09022015). Collection method: clinical testing. Allele origin: germline.

Mayo Clinic Laboratories, Mayo Clinic
Classification: Likely benign. Last evaluated: 2025-11-04. Review status: criteria provided, single submitter. Criteria: ACMG Guidelines, 2015. Collection method: clinical testing. Allele origin: germline. Observed: 2 variant alleles.
Comment: BS1, BP4, BP7

ARUP Laboratories, Molecular Genetics and Genomics, ARUP Laboratories
Classification: Likely benign. Last evaluated: 2025-05-06. Review status: criteria provided, single submitter. Criteria: ARUP Molecular Germline Variant Investigation Process 2024. Collection method: clinical testing. Allele origin: germline.

Center for Genomic Medicine, Rigshospitalet, Copenhagen University Hospital
Classification: Likely benign. Last evaluated: 2025-03-04. Review status: criteria provided, single submitter. Criteria: ACMG Guidelines, 2015. Collection method: clinical testing. Allele origin: germline.

KCCC/NGS Laboratory, Kuwait Cancer Control Center
Classification: Benign for Pleuropulmonary blastoma. Last evaluated: 2025-02-01. Review status: criteria provided, single submitter. Criteria: ACMG Guidelines, 2015. Collection method: clinical testing. Allele origin: germline. Affected: no.

Blueprint Genetics
Classification: Likely benign. Last evaluated: 2024-11-08. Review status: criteria provided, single submitter. Criteria: ACMG Guidelines, 2015. Collection method: clinical testing. Allele origin: germline.

Department of Pathology and Laboratory Medicine, Sinai Health System
Classification: Likely benign for Euthyroid goiter. Last evaluated: 2024-01-26. Review status: criteria provided, single submitter. Criteria: ACMG Guidelines, 2015. Collection method: clinical testing. Allele origin: germline. Affected: yes.

GeneDx
Classification: Likely benign. Last evaluated: 2021-06-22. Review status: criteria provided, single submitter. Criteria: GeneDx Variant Classification Process June 2021. Collection method: clinical testing. Allele origin: germline. Affected: yes.
Comment: This variant is associated with the following publications: (PMID: 23547758, 21266384)

Sema4
Classification: Benign for Hereditary cancer-predisposing syndrome. Last evaluated: 2020-05-27. Review status: criteria provided, single submitter. Criteria: Sema4 Curation Guidelines. Collection method: curation. Allele origin: germline.

Foulkes Cancer Genetics LDI, Lady Davis Institute for Medical Research
Classification: Likely benign. Last evaluated: 2019-07-01. Review status: criteria provided, single submitter. Criteria: ACMG Guidelines, 2015. Collection method: curation. Allele origin: germline. Affected: yes. Observed: 2 variant alleles.
Comment: ACMG criteria met: BS2, BP4, BP6, BP7

PreventionGenetics, part of Exact Sciences
Classification: Benign. Last evaluated: 2017-04-29. Review status: criteria provided, single submitter. Criteria: ACMG Guidelines, 2015. Collection method: clinical testing. Allele origin: germline.

Illumina Laboratory Services, Illumina
Classification: Likely benign for Pleuropulmonary blastoma. Last evaluated: 2017-04-27. Review status: criteria provided, single submitter. Criteria: ICSL Variant Classification Criteria 13 December 2019. Collection method: clinical testing. Allele origin: germline.
Comment: This variant was observed as part of a predisposition screen in an ostensibly healthy population. A literature search was performed for the gene, cDNA change, and amino acid change (where applicable). Publications were found based on this search. The evidence from the literature, in combination with allele frequency data from public databases where available, was sufficient to determine this variant is unlikely to cause disease. Therefore, this variant is classified as likely benign.

Ambry Genetics
Classification: Likely benign for Hereditary cancer-predisposing syndrome. Last evaluated: 2016-10-14. Review status: criteria provided, single submitter. Criteria: Ambry Variant Classification Scheme 2023. Collection method: clinical testing. Allele origin: germline.

Clinical Genetics DNA and cytogenetics Diagnostics Lab, Erasmus MC, Erasmus Medical Center
Classification: Likely benign. Review status: no assertion criteria provided. Collection method: clinical testing. Allele origin: germline. Affected: yes. Study: VKGL Data-share Consensus. Not counted in ClinVar's aggregate classification.

Diagnostic Laboratory, Department of Genetics, University Medical Center Groningen
Classification: Likely benign. Review status: no assertion criteria provided. Collection method: clinical testing. Allele origin: germline. Affected: yes. Study: VKGL Data-share Consensus. Not counted in ClinVar's aggregate classification.

Genome Diagnostics Laboratory, Amsterdam University Medical Center
Classification: Likely benign. Review status: no assertion criteria provided. Collection method: clinical testing. Allele origin: germline. Affected: yes. Study: VKGL Data-share Consensus. Not counted in ClinVar's aggregate classification.

Joint Genome Diagnostic Labs from Nijmegen and Maastricht, Radboudumc and MUMC+
Classification: Benign. Review status: no assertion criteria provided. Collection method: clinical testing. Allele origin: germline. Affected: yes. Study: VKGL Data-share Consensus. Not counted in ClinVar's aggregate classification.

Laboratory of Diagnostic Genome Analysis, Leiden University Medical Center (LUMC)
Classification: Likely benign. Review status: no assertion criteria provided. Collection method: clinical testing. Allele origin: germline. Affected: yes. Study: VKGL Data-share Consensus. Not counted in ClinVar's aggregate classification.

Literature cited by the submitters: PubMed 28524158 (cited by Foulkes Cancer Genetics LDI, Lady Davis Institute for Medical Research); PubMed 23547758 (cited by Illumina Laboratory Services, Illumina).